The following is an entry in ClinVar:

ClinVar aggregate classification (germline): Likely benign (0 of 4 stars; one submission).

Conditions:
PKD1-related disorder. Also called: PKD1-related condition.

Allele frequency attached by ClinVar (database versions not stated): gnomAD exomes 0.00001; ExAC 0.00002; gnomAD 0.00004; 1000 Genomes Project 0.00040; 1000 Genomes Project 30x 0.00047.
gnomAD v4.1: 23 of 1,606,402 alleles (0.0014%); highest among the groups gnomAD compares: East Asian, 0.0067%; no homozygotes.

Submission:

PreventionGenetics, part of Exact Sciences
Classification: Likely benign for PKD1-related condition. Last evaluated: 2019-10-23. Review status: no assertion criteria provided. Collection method: clinical testing. Allele origin: germline.
Comment: This variant is classified as likely benign based on ACMG/AMP sequence variant interpretation guidelines (Richards et al. 2015 PMID: 25741868, with internal and published modifications).

NM_001009944.3(PKD1):c.9712+10C>T

Gene: PKD1 (polycystin 1, transient receptor potential channel interacting; minus strand). Cytogenetic location: 16p13.3.
Variant type: single nucleotide variant.
Coding change: c.9712+10C>T on transcript NM_001009944.3 (MANE Select); 10 bases into the intron after coding-DNA position 9712, C replaced by T.
Molecular consequence: intron variant.
Genome position (GRCh38, 1-based): chr16:2,100,156, G>A on the plus strand (C>T on the coding strand, the complement: PKD1 is on the minus strand). VCF-style: chr16-2100156-G-A. GRCh37 (hg19) VCF-style: chr16-2150157-G-A.
Other names: c.9712+10C>T (NM_000296.4).
Identifiers: ClinVar variation 3046051 (VCV003046051.2), dbSNP rs540462864, ClinGen allele CA7829964.